The following is an entry in ClinVar:

NM_014159.7(SETD2):c.3621T>C (p.Ser1207=)

Gene: SETD2 (SET domain containing 2, histone lysine methyltransferase; minus strand). Cytogenetic location: 3p21.31.
Variant type: single nucleotide variant.
Coding change: c.3621T>C on transcript NM_014159.7 (MANE Select); coding-DNA position 3621, T replaced by C.
Protein change: p.Ser1207=; no amino-acid change (serine 1207 retained).
Molecular consequence: synonymous variant. On other transcripts: non-coding transcript variant (1).
Genome position (GRCh38, 1-based): chr3:47,121,015, A>G on the plus strand (T>C on the coding strand, the complement: SETD2 is on the minus strand). VCF-style: chr3-47121015-A-G. GRCh37 (hg19) VCF-style: chr3-47162505-A-G.
Other names: c.3489T>C, p.Ser1163= (NM_001349370.3).
Identifiers: ClinVar variation 758127 (VCV000758127.16), dbSNP rs577048438, ClinGen allele CA2363355.
Genomic context (GRCh38, chr3:47,121,015, plus strand): 5'-ATCTGGCCTGTTTTGGAAAGTGGTCTGTTGCCAAGACTTATTTGGGACATCTTCAAAATC[A>G]GAAGAATAAATTGGCAGCTCTTCTTGCTGCCTAGAAGGTATTTTGGCTTTCACGGTTTCC-3'
Protein context (NP_054878.5, residues 1197-1217): RQQEELPIYS[Ser1207=]DFEDVPNKSW

ClinVar aggregate classification (germline): Likely benign. Review status: criteria provided, multiple submitters, no conflicts (2 of 4 stars). 4 submissions from 4 submitters: Likely benign (3). 1 of the submissions does not count toward it. Last evaluated 2025-06-01.

Conditions:
Luscan-Lumish syndrome. Identifiers: Orphanet 597738, MedGen C4085873, MONDO:0014791, OMIM 616831.
Rabin-Pappas syndrome. Identifiers: MedGen C5774269, MONDO:0859331, OMIM 620155.
Intellectual developmental disorder, autosomal dominant 70. Identifiers: MedGen C5774271, MONDO:0859333, OMIM 620157.
SETD2-related disorder.

Allele frequency attached by ClinVar (database versions not stated): TOPMed below 0.00001; gnomAD 0.00001; gnomAD exomes 0.00003 and 0.00005; ExAC 0.00005; 1000 Genomes Project 30x 0.00016; 1000 Genomes Project 0.00020.
gnomAD v4.1: 44 of 1,614,214 alleles (0.0027%); highest among the groups gnomAD compares: South Asian, 0.041%; 1 homozygote.

Submissions (4):

CeGaT Center for Human Genetics Tuebingen
Classification: Likely benign. Last evaluated: 2025-06-01. Review status: criteria provided, single submitter. Criteria: CeGaT Center For Human Genetics Tuebingen Variant Classification Criteria Version 2. Collection method: clinical testing. Allele origin: germline. Affected: yes. Observed: 1 variant allele.
Comment: SETD2: BP4, BP7

Labcorp Genetics (formerly Invitae), Labcorp
Classification: Likely benign. Last evaluated: 2018-07-11. Review status: criteria provided, single submitter. Criteria: Invitae Variant Classification Sherloc (09022015). Collection method: clinical testing. Allele origin: germline.

Center for Genomics, Ann and Robert H. Lurie Children's Hospital of Chicago
Classification: Likely benign for Luscan-Lumish syndrome; Intellectual developmental disorder, autosomal dominant 70; Rabin-Pappas syndrome. Review status: criteria provided, single submitter. Criteria: ACMG Guidelines, 2015. Collection method: clinical testing. Allele origin: germline.
Comment: This variant has not been reported in the literature but is present in the Genome Aggregation Database (Highest reported MAF 0.006% (1/15288). This variant is present in ClinVar (Variation ID:758127). Evolutionary conservation and computational predictive tools for this variant are limited or unavailable. Of note, this variant is a silent variant and does not change the amino acid, reducing the probability that this variant is disease causing. In summary, data on this variant suggests that this variant does not cause disease but requires further evidence. Therefore, this variant is classified as likely benign.

PreventionGenetics, part of Exact Sciences
Classification: Likely benign for SETD2-related condition. Last evaluated: 2024-09-23. Review status: no assertion criteria provided. Collection method: clinical testing. Allele origin: germline. Not counted in ClinVar's aggregate classification.
Comment: This variant is classified as likely benign based on ACMG/AMP sequence variant interpretation guidelines (Richards et al. 2015 PMID: 25741868, with internal and published modifications).